The following is an entry in ClinVar:

NM_000548.5(TSC2):c.116TCA[1] (p.Ile40del)

Gene: TSC2 (TSC complex subunit 2; plus strand). Cytogenetic location: 16p13.3.
Variant type: Microsatellite.
Coding change: c.116TCA[1] on transcript NM_000548.5 (MANE Select); one copy of the 3-base unit TCA starting at c.116; the reference has two copies in a row; one copy, 3 bases deleted.
Protein change: p.Ile40del; deletes isoleucine 40.
Molecular consequence: inframe deletion. On other transcripts: 5 prime UTR variant (1), intron variant (1).
Genome position (GRCh38, 1-based): chr16:2,048,734-2,048,736, TCA deleted; deleting any 3 consecutive bases within chr16:2,048,730-2,048,736 gives the same sequence; the position shown is the placement nearest the transcript's 3' end. VCF-style (leftmost placement, unchanged base first): chr16-2048729-TATC-T. GRCh37 (hg19) VCF-style: chr16-2098730-TATC-T.
Other names: c.116TCA[1], p.Ile40del (NM_001077183.3, NM_001114382.3, NM_001318827.2 and 4 more transcripts); c.-111TCA[1] (NM_001318831.2); c.149TCA[1], p.Ile51del (NM_001318832.2); c.-10+669_-10+671del (NM_001318829.2); short protein forms I51del, I40del.
Identifiers: ClinVar variation 1433556 (VCV001433556.6), dbSNP rs2150973192, ClinGen allele CA2580612720.

ClinVar aggregate classification (germline): Uncertain significance (1 of 4 stars; one submission).

Conditions:
Tuberous sclerosis 2 (TSC2). Identifiers: Orphanet 805, MedGen C1860707, MONDO:0013199, OMIM 613254.

Submission:

Labcorp Genetics (formerly Invitae), Labcorp
Classification: Uncertain significance for Tuberous sclerosis 2. Last evaluated: 2022-01-27. Review status: criteria provided, single submitter. Criteria: Invitae Variant Classification Sherloc (09022015). Collection method: clinical testing. Allele origin: germline.
Comment: Experimental studies and prediction algorithms are not available or were not evaluated, and the functional significance of this variant is currently unknown. In summary, the available evidence is currently insufficient to determine the role of this variant in disease. Therefore, it has been classified as a Variant of Uncertain Significance. This variant has not been reported in the literature in individuals affected with TSC2-related conditions. This variant is not present in population databases (gnomAD no frequency). This variant, c.119_121del, results in the deletion of 1 amino acid(s) of the TSC2 protein (p.Ile40del), but otherwise preserves the integrity of the reading frame.